The following is an entry in ClinVar:

ClinVar aggregate classification (germline): Likely benign (1 of 4 stars; one submission).

Allele frequency attached by ClinVar (database versions not stated): gnomAD 0.00836.

Submission:

CeGaT Center for Human Genetics Tuebingen
Classification: Likely benign. Last evaluated: 2022-12-01. Review status: criteria provided, single submitter. Criteria: CeGaT Center For Human Genetics Tuebingen Variant Classification Criteria Version 2. Collection method: clinical testing. Allele origin: germline. Affected: yes. Observed: 1 variant allele.
Comment: GRTP1: BS2

NM_024719.4(GRTP1):c.466-1559G>T

Gene: GRTP1 (growth hormone regulated TBC protein 1; minus strand). Cytogenetic location: 13q34.
Variant type: single nucleotide variant.
Coding change: c.466-1559G>T on transcript NM_024719.4 (MANE Select); 1559 bases into the intron before coding-DNA position 466, G replaced by T.
Molecular consequence: intron variant.
Genome position (GRCh38, 1-based): chr13:113,346,518, C>A on the plus strand (G>T on the coding strand, the complement: GRTP1 is on the minus strand). VCF-style: chr13-113346518-C-A. GRCh37 (hg19) VCF-style: chr13-114000833-C-A.
Other names: c.466-1559G>T (NM_001286733.1, NM_001286732.2); c.232-1559G>T (NM_001411029.1).
Identifiers: ClinVar variation 2643991 (VCV002643991.24), dbSNP rs1316417412, ClinGen allele CA612715573.